The following is an entry in ClinVar:

NM_000059.4(BRCA2):c.6403_6406dup (p.Leu2136Ter)

Gene: BRCA2 (BRCA2 DNA repair associated; plus strand). Cytogenetic location: 13q13.1.
Variant type: Duplication.
Coding change: c.6403_6406dup on transcript NM_000059.4 (MANE Select); coding-DNA positions 6403 to 6406, 4 bases duplicated (AACT; older notation c.6403_6406dupAACT).
Protein change: p.Leu2136Ter; replaces leucine 2136 with a stop codon.
Molecular consequence: nonsense. On other transcripts: non-coding transcript variant (1), intron variant (2).
Genome position (GRCh38, 1-based): chr13:32,340,758-32,340,761, AACT duplicated; duplicating any 4 consecutive bases within chr13:32,340,757-32,340,761 gives the same sequence; the c. name uses the placement nearest the transcript's 3' end. VCF-style (leftmost placement, unchanged base first): chr13-32340756-A-ATAAC. GRCh37 (hg19) VCF-style: chr13-32914893-A-ATAAC.
Other names: c.6403_6406dup, p.Leu2136Ter (NM_001406719.1, NM_001406720.1, NM_001432077.1); c.1910-3800_1910-3797dup (NM_001406721.1); c.425-3800_425-3797dup (NM_001406722.1); short protein forms L2136*.
Identifiers: ClinVar variation 3638909 (VCV003638909.2).

ClinVar aggregate classification (germline): Pathogenic (1 of 4 stars; one submission).

Conditions:
Hereditary breast ovarian cancer syndrome. Also called: BRCA1- and BRCA2-Associated Hereditary Breast and Ovarian Cancer; Hereditary breast and/or ovarian cancer syndrome; Hereditary breast and ovarian cancer syndrome; Hereditary breast and ovarian cancer syndrome (HBOC); Breast and ovarian cancer; Hereditary breast and ovarian cancer. Identifiers: Orphanet 145, MedGen C0677776, MeSH D061325, MONDO:0003582. Disease mechanism: loss of function.

Submission:

Labcorp Genetics (formerly Invitae), Labcorp
Classification: Pathogenic for Hereditary breast ovarian cancer syndrome. Last evaluated: 2024-02-05. Review status: criteria provided, single submitter. Criteria: Invitae Variant Classification Sherloc (09022015). Collection method: clinical testing. Allele origin: germline.
Comment: This sequence change creates a premature translational stop signal (p.Leu2136*) in the BRCA2 gene. It is expected to result in an absent or disrupted protein product. Loss-of-function variants in BRCA2 are known to be pathogenic (PMID: 20104584). This variant is not present in population databases (gnomAD no frequency). This variant has not been reported in the literature in individuals affected with BRCA2-related conditions. For these reasons, this variant has been classified as Pathogenic.

Literature cited by the submitters: PubMed 20104584.